The following is an entry in ClinVar:

ClinVar aggregate classification (germline): Uncertain significance. Review status: criteria provided, multiple submitters, no conflicts (2 of 4 stars). 4 submissions from 4 submitters: Uncertain significance (4). Last evaluated 2025-09-04.

Conditions:
Hereditary cancer-predisposing syndrome. Also called: Neoplastic Syndromes, Hereditary; Tumor predisposition; Hereditary neoplastic syndrome; Hereditary Cancer Syndrome. Identifiers: Orphanet 140162, MedGen C0027672, MeSH D009386, MONDO:0015356.

gnomAD v4.1: 2 of 1,612,004 alleles (0.00012%); no homozygotes.

Submissions (4):

Ambry Genetics
Classification: Uncertain significance for Hereditary cancer-predisposing syndrome. Last evaluated: 2025-09-04. Review status: criteria provided, single submitter. Criteria: Ambry Variant Classification Scheme 2023. Collection method: clinical testing. Allele origin: germline.
Comment: The p.H708Y variant (also known as c.2122C>T), located in coding exon 19 of the POLE gene, results from a C to T substitution at nucleotide position 2122. The histidine at codon 708 is replaced by tyrosine, an amino acid with similar properties. This amino acid position is conserved. In addition, the in silico prediction for this alteration is inconclusive. Since supporting evidence is limited at this time, the clinical significance of this alteration remains unclear.

Labcorp Genetics (formerly Invitae), Labcorp
Classification: Uncertain significance. Last evaluated: 2022-08-06. Review status: criteria provided, single submitter. Criteria: Invitae Variant Classification Sherloc (09022015). Collection method: clinical testing. Allele origin: germline.
Comment: Algorithms developed to predict the effect of missense changes on protein structure and function are either unavailable or do not agree on the potential impact of this missense change (SIFT: "Deleterious"; PolyPhen-2: "Possibly Damaging"; Align-GVGD: "Class C15"). In summary, the available evidence is currently insufficient to determine the role of this variant in disease. Therefore, it has been classified as a Variant of Uncertain Significance. ClinVar contains an entry for this variant (Variation ID: 642385). This sequence change replaces histidine, which is basic and polar, with tyrosine, which is neutral and polar, at codon 708 of the POLE protein (p.His708Tyr). This variant is not present in population databases (gnomAD no frequency). This variant has not been reported in the literature in individuals affected with POLE-related conditions.

Mendelics
Classification: Uncertain significance. Last evaluated: 2022-05-04. Review status: criteria provided, single submitter. Criteria: Mendelics Assertion Criteria 2019. Collection method: clinical testing. Allele origin: germline.

Sema4
Classification: Uncertain significance for Hereditary cancer-predisposing syndrome. Last evaluated: 2021-05-20. Review status: criteria provided, single submitter. Criteria: Sema4 Curation Guidelines. Collection method: curation. Allele origin: germline.
Comment: To the best of our knowledge, the POLE c.2122C>T (p.H708Y) variant has not been reported in individuals with POLE-related disease. It was not observed in the large and broad cohorts of the Genome Aggregation Database (PMID: 32461654). The variant has been reported in ClinVar (Variation ID: 642385). In silico tools suggest the impact of the variant on protein function is inconclusive though these predictions have not been confirmed by functional studies. The evidence is insufficient to meet ACMG/AMP criteria for classifying the variant as benign or pathogenic. Thus, the clinical significance of this variant is currently uncertain.

NM_006231.4(POLE):c.2122C>T (p.His708Tyr)

Gene: POLE (DNA polymerase epsilon, catalytic subunit; minus strand). Cytogenetic location: 12q24.33.
Variant type: single nucleotide variant.
Coding change: c.2122C>T on transcript NM_006231.4 (MANE Select); coding-DNA position 2122, C replaced by T.
Protein change: p.His708Tyr; replaces histidine 708 with tyrosine.
Molecular consequence: missense variant.
Genome position (GRCh38, 1-based): chr12:132,668,407, G>A on the plus strand (C>T on the coding strand, the complement: POLE is on the minus strand). VCF-style: chr12-132668407-G-A. GRCh37 (hg19) VCF-style: chr12-133244993-G-A.
Other names: short protein forms H708Y.
Identifiers: ClinVar variation 642385 (VCV000642385.14), dbSNP rs1593791799, ClinGen allele CA387353830.
Genomic context (GRCh38, chr12:132,668,407, plus strand): 5'-GGCACTCACCCGCCAGCCTTCTCTTCTCGTATTTCGCCTGTTCCTCGCGGGACAGTTCAT[G>A]AAAGGCCCGAGCTGGCCCCTCTGGGAACAAGGGGGGGAACTTCTCTGACTCCAGCTGGTG-3'
Protein context (NP_006222.2, residues 698-718): LFPEGPARAF[His708Tyr]ELSREEQAKY